The following is an entry in ClinVar:

ClinVar aggregate classification (germline): Uncertain significance. Review status: criteria provided, multiple submitters, no conflicts (2 of 4 stars). 2 submissions from 2 submitters: Uncertain significance (2). Last evaluated 2025-03-24.

Conditions:
Tumor predisposition syndrome 3 (TPDS3). Also called: Glioma susceptibility 9; Melanoma, cutaneous malignant, susceptibility to, 10; LONG TELOMERE SYNDROME, POT1-RELATED; POT1 Tumor Predisposition. Identifiers: Orphanet 618, MedGen C4014476, MONDO:0014368, OMIM 615848.
Hereditary cancer-predisposing syndrome. Also called: Hereditary Cancer Syndrome; Hereditary neoplastic syndrome; Neoplastic Syndromes, Hereditary; Tumor predisposition. Identifiers: Orphanet 140162, MedGen C0027672, MeSH D009386, MONDO:0015356.

Allele frequency attached by ClinVar (database versions not stated): ExAC 0.00001; gnomAD exomes 0.00001.
gnomAD v4.1: 5 of 1,612,302 alleles (0.00031%); highest among the groups gnomAD compares: South Asian, 0.0055%; no homozygotes.

Submissions (2):

Labcorp Genetics (formerly Invitae), Labcorp
Classification: Uncertain significance for Tumor predisposition syndrome 3. Last evaluated: 2025-03-24. Review status: criteria provided, single submitter. Criteria: Invitae Variant Classification Sherloc (09022015). Collection method: clinical testing. Allele origin: germline.
Comment: This sequence change replaces valine, which is neutral and non-polar, with isoleucine, which is neutral and non-polar, at codon 434 of the POT1 protein (p.Val434Ile). This variant is present in population databases (rs778955557, gnomAD 0.01%). This variant has not been reported in the literature in individuals affected with POT1-related conditions. ClinVar contains an entry for this variant (Variation ID: 2724446). Invitae Evidence Modeling of protein sequence and biophysical properties (such as structural, functional, and spatial information, amino acid conservation, physicochemical variation, residue mobility, and thermodynamic stability) indicates that this missense variant is not expected to disrupt POT1 protein function with a negative predictive value of 80%. In summary, the available evidence is currently insufficient to determine the role of this variant in disease. Therefore, it has been classified as a Variant of Uncertain Significance.

Ambry Genetics
Classification: Uncertain significance for Hereditary cancer-predisposing syndrome. Last evaluated: 2024-05-08. Review status: criteria provided, single submitter. Criteria: Ambry Variant Classification Scheme 2023. Collection method: clinical testing. Allele origin: germline.
Comment: The p.V434I variant (also known as c.1300G>A), located in coding exon 10 of the POT1 gene, results from a G to A substitution at nucleotide position 1300. The valine at codon 434 is replaced by isoleucine, an amino acid with highly similar properties. This amino acid position is conserved. In addition, this alteration is predicted to be tolerated by in silico analysis. Based on the available evidence, the clinical significance of this variant remains unclear.

NM_015450.3(POT1):c.1300G>A (p.Val434Ile)

Gene: POT1 (protection of telomeres 1; minus strand). Cytogenetic location: 7q31.33.
Variant type: single nucleotide variant.
Coding change: c.1300G>A on transcript NM_015450.3 (MANE Select); coding-DNA position 1300, G replaced by A.
Protein change: p.Val434Ile; replaces valine 434 with isoleucine.
Molecular consequence: missense variant. On other transcripts: non-coding transcript variant (3).
Genome position (GRCh38, 1-based): chr7:124,841,042, C>T on the plus strand (G>A on the coding strand, the complement: POT1 is on the minus strand). VCF-style: chr7-124841042-C-T. GRCh37 (hg19) VCF-style: chr7-124481096-C-T.
Other names: c.1300G>A (NM_015450.2); c.907G>A, p.Val303Ile (NM_001042594.2); short protein forms V303I, V434I.
Identifiers: ClinVar variation 2724446 (VCV002724446.4), dbSNP rs778955557, ClinGen allele CA4465170.